The following is an entry in ClinVar:

ClinVar aggregate classification (germline): Uncertain significance (1 of 4 stars; one submission).

Allele frequency attached by ClinVar (database versions not stated): TOPMed below 0.00001.

Submission:

Labcorp Genetics (formerly Invitae), Labcorp
Classification: Uncertain significance. Last evaluated: 2022-08-05. Review status: criteria provided, single submitter. Criteria: Invitae Variant Classification Sherloc (09022015). Collection method: clinical testing. Allele origin: germline.
Comment: Algorithms developed to predict the effect of sequence changes on RNA splicing suggest that this variant may disrupt the consensus splice site. In summary, the available evidence is currently insufficient to determine the role of this variant in disease. Therefore, it has been classified as a Variant of Uncertain Significance. This variant has not been reported in the literature in individuals affected with CTSK-related conditions. Advanced modeling of protein sequence and biophysical properties (such as structural, functional, and spatial information, amino acid conservation, physicochemical variation, residue mobility, and thermodynamic stability) performed at Invitae indicates that this missense variant is expected to disrupt CTSK protein function. This sequence change replaces glycine, which is neutral and non-polar, with serine, which is neutral and polar, at codon 67 of the CTSK protein (p.Gly67Ser). This variant is not present in population databases (gnomAD no frequency).

NM_000396.4(CTSK):c.199G>A (p.Gly67Ser)

Gene: CTSK (cathepsin K; minus strand). Cytogenetic location: 1q21.3.
Variant type: single nucleotide variant.
Coding change: c.199G>A on transcript NM_000396.4 (MANE Select); coding-DNA position 199, G replaced by A.
Protein change: p.Gly67Ser; replaces glycine 67 with serine.
Molecular consequence: missense variant.
Genome position (GRCh38, 1-based): chr1:150,806,146, C>T on the plus strand (G>A on the coding strand, the complement: CTSK is on the minus strand). VCF-style: chr1-150806146-C-T. GRCh37 (hg19) VCF-style: chr1-150778622-C-T.
Other names: short protein forms G67S.
Identifiers: ClinVar variation 2191715 (VCV002191715.4), dbSNP rs1419731022, ClinGen allele CA342337271.